The following is an entry in ClinVar:

ClinVar aggregate classification (germline): Uncertain significance. Review status: criteria provided, multiple submitters, no conflicts (2 of 4 stars). 9 submissions from 9 submitters: Uncertain significance (7). 2 of the submissions do not count toward it. Last evaluated 2026-05-06.

Conditions:
Inborn genetic diseases. Identifiers: MedGen C0950123, MeSH D030342.
CEP290-related disorder. Also called: CEP290-related condition; CEP290-related disorders. Identifiers: MedGen CN239314.
Joubert syndrome 5 (JBTS5). Identifiers: Orphanet 2318, MedGen C1857780, MONDO:0012432, OMIM 610188.
Leber congenital amaurosis 10 (LCA10). Identifiers: Orphanet 65, MedGen C1857821, MONDO:0012723, OMIM 611755.
Senior-Loken syndrome 6 (SLSN6). Identifiers: Orphanet 3156, MedGen C1857779, MONDO:0012433, OMIM 610189.
Bardet-Biedl syndrome 14 (BBS14). Identifiers: Orphanet 110, MedGen C2673874, MONDO:0014442, OMIM 615991.
Meckel syndrome, type 4 (MKS4). Also called: MECKEL-GRUBER SYNDROME, TYPE 4. Identifiers: Orphanet 564, MedGen C1970161, MONDO:0012626, OMIM 611134.
Retinal dystrophy. Also called: Inherited retinal dystrophy. Identifiers: Orphanet 71862, MedGen C0854723, MeSH D058499, MONDO:0019118, HP:0000556.
Nephronophthisis. Also called: Juvenile Nephronophthisis. Identifiers: Orphanet 655, MedGen C0687120, MONDO:0019005, HP:0000090.
Joubert syndrome. Also called: JOUBERT-BOLTSHAUSER SYNDROME; Familial aplasia of the vermis. Identifiers: Orphanet 475, MedGen C5979921, MONDO:0018772.
Meckel-Gruber syndrome. Also called: Dysencephalia splachnocystica; DYSENCEPHALIA SPLANCHNOCYSTICA; GRUBER SYNDROME. Identifiers: Orphanet 564, MedGen C0265215, MONDO:0018921.
Leber congenital amaurosis (LCA). Also called: Leber's amaurosis. Identifiers: Orphanet 65, MedGen C0339527, MeSH D057130, MONDO:0018998.

Allele frequency attached by ClinVar (database versions not stated): gnomAD 0.00001 and 0.00002; gnomAD exomes 0.00002 and 0.00003; ExAC below 0.00001; TOPMed 0.00004.
gnomAD v4.1: 37 of 1,467,156 alleles (0.0025%); highest among the groups gnomAD compares: Middle Eastern, 0.035%; no homozygotes.

Submissions (9):

PreventionGenetics, part of Exact Sciences
Classification: Uncertain significance for CEP290-related condition. Last evaluated: 2026-05-06. Review status: criteria provided, single submitter. Criteria: ACMG Guidelines, 2015. Collection method: clinical testing. Allele origin: germline.
Comment: The CEP290 c.722A>G variant is predicted to result in the amino acid substitution p.Lys241Arg. To our knowledge, this variant has not been reported in the literature. This variant is reported in 0.0054% of alleles in individuals of European (Non-Finnish) descent in gnomAD. At this time, the clinical significance of this variant is uncertain due to the absence of conclusive functional and genetic evidence.

Blueprint Genetics
Classification: Uncertain significance. Last evaluated: 2024-08-26. Review status: criteria provided, single submitter. Criteria: ACMG Guidelines, 2015. Collection method: clinical testing. Allele origin: germline.

Fulgent Genetics
Classification: Uncertain significance for Joubert syndrome 5; Senior-Loken syndrome 6; Meckel syndrome, type 4; Leber congenital amaurosis 10; Bardet-Biedl syndrome 14. Last evaluated: 2024-04-26. Review status: criteria provided, single submitter. Criteria: ACMG Guidelines, 2015. Collection method: clinical testing. Allele origin: germline.

Ambry Genetics
Classification: Uncertain significance for Inborn genetic diseases. Last evaluated: 2022-11-18. Review status: criteria provided, single submitter. Criteria: Ambry Variant Classification Scheme 2023. Collection method: clinical testing. Allele origin: germline.

Labcorp Genetics (formerly Invitae), Labcorp
Classification: Uncertain significance for Joubert syndrome; Meckel-Gruber syndrome; Nephronophthisis. Last evaluated: 2022-10-17. Review status: criteria provided, single submitter. Criteria: Invitae Variant Classification Sherloc (09022015). Collection method: clinical testing. Allele origin: germline.
Comment: This sequence change replaces lysine, which is basic and polar, with arginine, which is basic and polar, at codon 241 of the CEP290 protein (p.Lys241Arg). This variant is present in population databases (rs199790246, gnomAD 0.005%). This variant has not been reported in the literature in individuals affected with CEP290-related conditions. ClinVar contains an entry for this variant (Variation ID: 166840). Advanced modeling of protein sequence and biophysical properties (such as structural, functional, and spatial information, amino acid conservation, physicochemical variation, residue mobility, and thermodynamic stability) performed at Invitae indicates that this missense variant is not expected to disrupt CEP290 protein function. In summary, the available evidence is currently insufficient to determine the role of this variant in disease. Therefore, it has been classified as a Variant of Uncertain Significance.

GeneDx
Classification: Uncertain significance. Last evaluated: 2022-07-21. Review status: criteria provided, single submitter. Criteria: GeneDx Variant Classification Process June 2021. Collection method: clinical testing. Allele origin: germline. Affected: yes.
Comment: Not observed at significant frequency in large population cohorts (gnomAD); In silico analysis supports that this missense variant does not alter protein structure/function; Has not been previously published as pathogenic or benign to our knowledge

Eurofins Ntd Llc (ga)
Classification: Uncertain significance. Last evaluated: 2015-07-14. Review status: criteria provided, single submitter. Criteria: EGL Classification Definitions 2015. Collection method: clinical testing. Allele origin: germline. Observed: 2 variant alleles, 2 heterozygotes.

Natera, Inc.
Classification: Uncertain significance for Leber congenital amaurosis. Last evaluated: 2020-09-16. Review status: no assertion criteria provided. Collection method: clinical testing. Allele origin: germline. Not counted in ClinVar's aggregate classification.

Institute of Human Genetics, Univ. Regensburg, Univ. Regensburg
Classification: Uncertain significance for Retinal dystrophy. Last evaluated: 2019-01-01. Review status: no assertion criteria provided. Criteria: ACMG Guidelines, 2015. Collection method: clinical testing. Allele origin: germline. Affected: yes. Not counted in ClinVar's aggregate classification.

NM_025114.4(CEP290):c.722A>G (p.Lys241Arg)

Gene: CEP290 (centrosomal protein 290; minus strand). Cytogenetic location: 12q21.32.
Variant type: single nucleotide variant.
Coding change: c.722A>G on transcript NM_025114.4 (MANE Select); coding-DNA position 722, A replaced by G.
Protein change: p.Lys241Arg; replaces lysine 241 with arginine.
Molecular consequence: missense variant.
Genome position (GRCh38, 1-based): chr12:88,129,824, T>C on the plus strand (A>G on the coding strand, the complement: CEP290 is on the minus strand). VCF-style: chr12-88129824-T-C. GRCh37 (hg19) VCF-style: chr12-88523601-T-C.
Other names: short protein forms K241R.
Identifiers: ClinVar variation 166840 (VCV000166840.20), dbSNP rs199790246, ClinGen allele CA233680.